The following is an entry in ClinVar:

ClinVar aggregate classification (germline): Likely benign (1 of 4 stars; one submission).

Submission:

CeGaT Center for Human Genetics Tuebingen
Classification: Likely benign. Last evaluated: 2022-11-01. Review status: criteria provided, single submitter. Criteria: CeGaT Center For Human Genetics Tuebingen Variant Classification Criteria Version 2. Collection method: clinical testing. Allele origin: germline. Affected: yes. Observed: 1 variant allele.
Comment: ZNF674: PM2:Supporting, BP4, BP7

NM_001190417.2(ZNF674):c.1668A>G (p.Ala556=)

Gene: ZNF674 (zinc finger protein 674; minus strand). Cytogenetic location: Xp11.3.
Variant type: single nucleotide variant.
Coding change: c.1668A>G on transcript NM_001190417.2 (MANE Select); coding-DNA position 1668, A replaced by G.
Protein change: p.Ala556=; no amino-acid change (alanine 556 retained).
Molecular consequence: synonymous variant.
Genome position (GRCh38, 1-based): chrX:46,499,906, T>C on the plus strand (A>G on the coding strand, the complement: ZNF674 is on the minus strand). VCF-style: chrX-46499906-T-C. GRCh37 (hg19) VCF-style: chrX-46359341-T-C.
Other names: c.1683A>G, p.Ala561= (NM_001039891.3); c.1665A>G, p.Ala555= (NM_001146291.2).
Identifiers: ClinVar variation 2660379 (VCV002660379.24), dbSNP rs2519238146, ClinGen allele CA516368535.